The following is an entry in ClinVar:

ClinVar aggregate classification (germline): Uncertain significance (1 of 4 stars; one submission).

Conditions:
Glycogen storage disease IXd (GSD9D). Also called: GSD IXd; Muscle Phosphorylase Kinase Deficiency. Identifiers: Orphanet 715, MedGen C1845151, MONDO:0010362, OMIM 300559.

gnomAD v4.1: 6 of 1,206,838 alleles (0.0005%); highest among the groups gnomAD compares: African/African-American, 0.0087%; no homozygotes.

Submission:

Labcorp Genetics (formerly Invitae), Labcorp
Classification: Uncertain significance for Glycogen storage disease IXd. Last evaluated: 2025-09-03. Review status: criteria provided, single submitter. Criteria: Invitae Variant Classification Sherloc (09022015). Collection method: clinical testing. Allele origin: germline.
Comment: This sequence change replaces glutamic acid, which is acidic and polar, with lysine, which is basic and polar, at codon 214 of the PHKA1 protein (p.Glu214Lys). This variant is present in population databases (rs139006270, gnomAD 0.01%). This variant has not been reported in the literature in individuals affected with PHKA1-related conditions. ClinVar contains an entry for this variant (Variation ID: 3708438). Invitae Evidence Modeling of protein sequence and biophysical properties (such as structural, functional, and spatial information, amino acid conservation, physicochemical variation, residue mobility, and thermodynamic stability) indicates that this missense variant is expected to disrupt PHKA1 protein function with a positive predictive value of 80%. In summary, the available evidence is currently insufficient to determine the role of this variant in disease. Therefore, it has been classified as a Variant of Uncertain Significance.

NM_002637.4(PHKA1):c.640G>A (p.Glu214Lys)

Gene: PHKA1 (phosphorylase kinase regulatory subunit alpha 1; minus strand). Cytogenetic location: Xq13.1.
Variant type: single nucleotide variant.
Coding change: c.640G>A on transcript NM_002637.4 (MANE Select); coding-DNA position 640, G replaced by A.
Protein change: p.Glu214Lys; replaces glutamic acid 214 with lysine.
Molecular consequence: missense variant.
Genome position (GRCh38, 1-based): chrX:72,667,452, C>T on the plus strand (G>A on the coding strand, the complement: PHKA1 is on the minus strand). VCF-style: chrX-72667452-C-T. GRCh37 (hg19) VCF-style: chrX-71887302-C-T.
Other names: c.640G>A, p.Glu214Lys (NM_001122670.2, NM_001172436.2, NM_001431068.1); short protein forms E214K.
Identifiers: ClinVar variation 3708438 (VCV003708438.2).